The following is an entry in ClinVar:

ClinVar aggregate classification (germline): Uncertain significance (1 of 4 stars; one submission).

Conditions:
Hereditary spastic paraplegia 30. Identifiers: Orphanet 101010, MedGen C5235139, MONDO:0012476.
Neuropathy, hereditary sensory, type 2C. Also called: Hereditary sensory and autonomic neuropathy type IIC; KIF1A-Related HSAN2 (HSAN2C). Identifiers: Orphanet 970, MedGen C3280168, MONDO:0013634, OMIM 614213.
Intellectual disability, autosomal dominant 9 (NESCAVS). Also called: NESCAV SYNDROME; KIF1A-Related Neurodevelopmental Disorder. Identifiers: Orphanet 662367, MedGen C5393830, MONDO:0013656, OMIM 614255.

Submission:

Labcorp Genetics (formerly Invitae), Labcorp
Classification: Uncertain significance for Hereditary spastic paraplegia 30; Neuropathy, hereditary sensory, type 2C; Intellectual disability, autosomal dominant 9. Last evaluated: 2022-09-07. Review status: criteria provided, single submitter. Criteria: Invitae Variant Classification Sherloc (09022015). Collection method: clinical testing. Allele origin: germline.
Comment: This variant is not present in population databases (gnomAD no frequency). This variant has not been reported in the literature in individuals affected with KIF1A-related conditions. Advanced modeling of protein sequence and biophysical properties (such as structural, functional, and spatial information, amino acid conservation, physicochemical variation, residue mobility, and thermodynamic stability) performed at Invitae indicates that this missense variant is not expected to disrupt KIF1A protein function. In summary, the available evidence is currently insufficient to determine the role of this variant in disease. Therefore, it has been classified as a Variant of Uncertain Significance. This sequence change replaces glutamine, which is neutral and polar, with arginine, which is basic and polar, at codon 1632 of the KIF1A protein (p.Gln1632Arg).

NM_001244008.2(KIF1A):c.5198A>G (p.Gln1733Arg)

Gene: KIF1A (kinesin family member 1A; minus strand). Cytogenetic location: 2q37.3.
Variant type: single nucleotide variant.
Coding change: c.5198A>G on transcript NM_001244008.2 (MANE Select); coding-DNA position 5198, A replaced by G.
Protein change: p.Gln1733Arg; replaces glutamine 1733 with arginine.
Molecular consequence: missense variant. On other transcripts: intron variant (1).
Genome position (GRCh38, 1-based): chr2:240,719,022, T>C on the plus strand (A>G on the coding strand, the complement: KIF1A is on the minus strand). VCF-style: chr2-240719022-T-C. GRCh37 (hg19) VCF-style: chr2-241658439-T-C.
Other names: c.4922A>G, p.Gln1641Arg (NM_001320705.2, NM_001379649.1); c.4949A>G, p.Gln1650Arg (NM_001330289.2); c.4997A>G, p.Gln1666Arg (NM_001330290.2, NM_001379648.1); c.5273A>G, p.Gln1758Arg (NM_001379631.1); c.5174A>G, p.Gln1725Arg (NM_001379632.1); c.5171A>G, p.Gln1724Arg (NM_001379633.1, NM_001379645.1); c.5024A>G, p.Gln1675Arg (NM_001379634.1); c.5021A>G, p.Gln1674Arg (NM_001379635.1, NM_001379646.1); and 8 more; short protein forms Q1631R, Q1632R, Q1640R, Q1641R, Q1649R, Q1650R, Q1657R, Q1666R.
Identifiers: ClinVar variation 1713466 (VCV001713466.6), dbSNP rs2536592079, ClinGen allele CA351297952.